The following is an entry in ClinVar:

ClinVar aggregate classification (germline): Benign. Review status: criteria provided, multiple submitters, no conflicts (2 of 4 stars). 3 submissions from 2 submitters: Benign (3). Last evaluated 2021-05-13.

Conditions:
Autosomal recessive nonsyndromic hearing loss 37. Identifiers: Orphanet 90636, MedGen C1843028, MONDO:0011912, OMIM 607821.
Autosomal dominant nonsyndromic hearing loss 22. Also called: Autosomal dominant nonsyndromic deafness 22; DFNA 22. Identifiers: Orphanet 228012, MedGen C2931767, MONDO:0011660, OMIM 606346.

Allele frequency attached by ClinVar (database versions not stated): gnomAD 0.18060 and 0.19296; 1000 Genomes Project 0.20048; TOPMed 0.20356; 1000 Genomes Project 30x 0.21346.

Submissions (3):

GeneDx
Classification: Benign. Last evaluated: 2021-05-13. Review status: criteria provided, single submitter. Criteria: GeneDx Variant Classification Process June 2021. Collection method: clinical testing. Allele origin: germline. Affected: yes.

Illumina Laboratory Services, Illumina
Classification: Benign for Autosomal dominant nonsyndromic hearing loss 22. Last evaluated: 2018-01-13. Review status: criteria provided, single submitter. Criteria: ICSL Variant Classification Criteria 13 December 2019. Collection method: clinical testing. Allele origin: germline.
Comment: This variant was observed in the ICSL laboratory as part of a predisposition screen in an ostensibly healthy population. It had not been previously curated by ICSL or reported in the Human Gene Mutation Database (HGMD: prior to June 1st, 2018), and was therefore a candidate for classification through an automated scoring system. Utilizing variant allele frequency, disease prevalence and penetrance estimates, and inheritance mode, an automated score was calculated to assess if this variant is too frequent to cause the disease. Based on the score and internal cut-off values, a variant classified as benign is not then subjected to further curation. The score for this variant resulted in a classification of benign for this disease.

Illumina Laboratory Services, Illumina
Classification: Benign for Autosomal recessive nonsyndromic hearing loss 37. Last evaluated: 2018-01-13. Review status: criteria provided, single submitter. Criteria: ICSL Variant Classification Criteria 13 December 2019. Collection method: clinical testing. Allele origin: germline.
Comment: the same text as in the submission from Illumina Laboratory Services, Illumina above.

NM_004999.4(MYO6):c.*3447A>C

Gene: MYO6 (myosin VI; plus strand). Cytogenetic location: 6q14.1.
Variant type: single nucleotide variant.
Coding change: c.*3447A>C on transcript NM_004999.4 (MANE Select); 3447 bases downstream of the stop codon, A replaced by C.
Molecular consequence: 3 prime UTR variant. On other transcripts: non-coding transcript variant (1).
Genome position (GRCh38, 1-based): chr6:75,918,459, A>C. VCF-style: chr6-75918459-A-C. GRCh37 (hg19) VCF-style: chr6-76628176-A-C.
Other names: c.*3447A>C (NM_001300899.2, NM_001368136.1, NM_001368137.1 and 3 more transcripts).
Identifiers: ClinVar variation 358042 (VCV000358042.6), dbSNP rs1341567, ClinGen allele CA10627632.
Genomic context (GRCh38, chr6:75,918,459, plus strand): 5'-GAAACACTGATACATTTTAGGACACAGAGCACTCCTAGATCTCTACGAAATTTTAGAATG[A>C]ATAATGTGTAATTTATAGGATCAGAACGTATGGTTATTAAAACTTGGATCAAGATATGCC-3'